The following is an entry in ClinVar:

ClinVar aggregate classification (germline): Uncertain significance. Review status: criteria provided, multiple submitters, no conflicts (2 of 4 stars). 3 submissions from 3 submitters: Uncertain significance (3). Last evaluated 2026-04-01.

Allele frequency attached by ClinVar (database versions not stated): TOPMed 0.00007; ExAC 0.00004; gnomAD exomes 0.00006; gnomAD 0.00009; ESP Exome Variant Server 0.00008.
gnomAD v4.1: 104 of 1,598,300 alleles (0.0065%); highest among the groups gnomAD compares: Non-Finnish European, 0.0085%; no homozygotes.

Submissions (3):

GeneDx
Classification: Uncertain significance. Last evaluated: 2026-04-01. Review status: criteria provided, single submitter. Criteria: GeneDx Variant Classification Process June 2021. Collection method: clinical testing. Allele origin: germline.
Comment: Not observed at significant frequency in large population cohorts (gnomAD); In silico analysis supports that this missense variant has a deleterious effect on protein structure/function; In silico analysis is inconclusive as to whether the variant alters gene splicing. In the absence of RNA/functional studies, the actual effect of this sequence change is unknown.; This variant is associated with the following publications: (PMID: 32699352, 38844943)

Women's Health and Genetics/Laboratory Corporation of America, LabCorp
Classification: Uncertain significance. Last evaluated: 2024-03-15. Review status: criteria provided, single submitter. Criteria: LabCorp Variant Classification Summary - May 2015. Collection method: clinical testing. Allele origin: germline.
Comment: Variant summary: LARS1 c.2445G>T (p.Met815Ile) results in a conservative amino acid change located in the Methionyl/Valyl/Leucyl/Isoleucyl-tRNA synthetase, anticodon-binding domain (IPR013155) of the encoded protein sequence. Three of five in-silico tools predict a benign effect of the variant on protein function. The variant allele was found at a frequency of 4e-05 in 273836 control chromosomes. This frequency is not significantly higher than estimated for a pathogenic variant in LARS1 causing Liver Failure Acute Infantile, Type 1 (4e-05 vs 0.0011), allowing no conclusion about variant significance. c.2445G>T has been reported in the literature in one individual affected with Liver Failure Acute Infantile, Type 1 (example, Lenz_2020). These data do not allow any conclusion about variant significance. To our knowledge, no experimental evidence demonstrating an impact on protein function has been reported. The following publication have been ascertained in the context of this evaluation (PMID: 32699352). No submitters have cited clinical-significance assessments for this variant to ClinVar. Based on the evidence outlined above, the variant was classified as uncertain significance.

Blueprint Genetics
Classification: Uncertain significance. Last evaluated: 2022-09-07. Review status: criteria provided, single submitter. Criteria: ACMG Guidelines, 2015. Collection method: clinical testing. Allele origin: germline.

Literature cited by the submitters: PubMed 32699352 (cited by Women's Health and Genetics/Laboratory Corporation of America, LabCorp).

NM_020117.11(LARS1):c.2445G>T (p.Met815Ile)

Gene: LARS1 (leucyl-tRNA synthetase 1; minus strand). Cytogenetic location: 5q32.
Variant type: single nucleotide variant.
Coding change: c.2445G>T on transcript NM_020117.11 (MANE Select); coding-DNA position 2445, G replaced by T.
Protein change: p.Met815Ile; replaces methionine 815 with isoleucine.
Molecular consequence: missense variant.
Genome position (GRCh38, 1-based): chr5:146,131,061, C>A on the plus strand (G>T on the coding strand, the complement: LARS1 is on the minus strand). VCF-style: chr5-146131061-C-A. GRCh37 (hg19) VCF-style: chr5-145510624-C-A.
Other names: c.2307G>T, p.Met769Ile (NM_001317964.2); c.2283G>T, p.Met761Ile (NM_001317965.2); c.2364G>T, p.Met788Ile (NM_016460.4); c.2445G>T (NM_020117.9); short protein forms M761I, M769I, M788I, M815I.
Identifiers: ClinVar variation 3233931 (VCV003233931.4), dbSNP rs150185886, ClinGen allele CA3489335.
Genomic context (GRCh38, chr5:146,131,061, plus strand): 5'-AAAGAATCAACAGCCTACCTGAAACTCAAAAAACCCTGTTTTCAAAGCTTCTTTAAACAT[C>A]ATCTTTTCATAGTTTTGATCTGTTTTTATAATTCCTGCATTCAATTCACTATTGAATACG-3'
Protein context (NP_064502.9, residues 805-825): IIKTDQNYEK[Met815Ile]MFKEALKTGF